The following is an entry in ClinVar:

NM_000512.5(GALNS):c.115G>T (p.Asp39Tyr)

Genes: TRAPPC2L (trafficking protein particle complex subunit 2L; plus strand), GALNS (galactosamine (N-acetyl)-6-sulfatase; minus strand), LOC130059762 (ATAC-STARR-seq lymphoblastoid silent region 7883; plus strand). Cytogenetic location: 16q24.3.
Variant type: single nucleotide variant.
Coding change: c.115G>T on transcript NM_000512.5 (MANE Select); coding-DNA position 115, G replaced by T.
Protein change: p.Asp39Tyr; replaces aspartic acid 39 with tyrosine.
Molecular consequence: missense variant. On other transcripts: 5 prime UTR variant (2).
Genome position (GRCh38, 1-based): chr16:88,856,763, C>A on the plus strand (G>T on the coding strand, the complement: GALNS is on the minus strand). VCF-style: chr16-88856763-C-A. GRCh37 (hg19) VCF-style: chr16-88923171-C-A.
Other names: c.-317G>T (NM_001323543.2); c.-38G>T (NM_001323544.2); short protein forms D39Y.
Identifiers: ClinVar variation 1048257 (VCV001048257.10), dbSNP rs2143013504, ClinGen allele CA397100991.
Genomic context (GRCh38, chr16:88,856,763, plus strand): 5'-CCCCTCCCCTCCCCGCCCCACCCCGGCCCTGCCCCGTCCCACCGCCCGCACTCACGTCGT[C>A]CATGAGCAGGAGCAGGATGTTGGGGGGCTGCGGGGCGCCCGAGGCCCCCATCCCCGCGGC-3'
Protein context (NP_000503.1, residues 29-49): QPPNILLLLM[Asp39Tyr]DMGWGDLGVY

ClinVar aggregate classification (germline): Conflicting classifications of pathogenicity. Review status: criteria provided, conflicting classifications (1 of 4 stars). 3 submissions from 3 submitters: Likely pathogenic (1); Uncertain significance (2). Last evaluated 2025-07-25.

Conditions:
Mucopolysaccharidosis, MPS-IV-A (MPS4A). Also called: Mucopolysaccharidosis type IV A; Mucopolysaccharidosis Type IVA; Morquio syndrome A, mild; MORQUIO SYNDROME A; MPS IVA; mucopolysaccharidosis type 4A. Identifiers: Orphanet 309297, Orphanet 582, MedGen C0086651, MONDO:0009659, OMIM 253000.

gnomAD v4.1: 1 of 1,535,952 alleles (0.000065%); highest among the groups gnomAD compares: South Asian, 0.0012%; no homozygotes.

Submissions (3):

Women's Health and Genetics/Laboratory Corporation of America, LabCorp
Classification: Uncertain significance. Last evaluated: 2025-07-25. Review status: criteria provided, single submitter. Criteria: LabCorp Variant Classification Summary - May 2015. Collection method: clinical testing. Allele origin: germline.
Comment: Variant summary: GALNS c.115G>T (p.Asp39Tyr) results in a non-conservative amino acid change located in the Sulfatase, N-terminal domain (IPR000917) of the encoded protein sequence. Algorithms developed to predict the effect of missense changes on protein structure and function all suggest that this variant is likely to be disruptive. The frequency data for this variant in gnomAD is considered unreliable, as metrics indicate poor data quality at this position. c.115G>T has been observed in one individual affected with Mucopolysaccharidosis Type IVA (Morquio Syndrome A) (Cozma_2015). The report does not provide unequivocal conclusions about association of the variant with Mucopolysaccharidosis Type IVA (Morquio Syndrome A). To our knowledge, no experimental evidence demonstrating an impact on protein function has been reported. The following publication have been ascertained in the context of this evaluation (PMID: 26147980). ClinVar contains an entry for this variant (Variation ID: 1048257). Based on the evidence outlined above, the variant was classified as uncertain significance.

Labcorp Genetics (formerly Invitae), Labcorp
Classification: Likely pathogenic for Mucopolysaccharidosis, MPS-IV-A. Last evaluated: 2025-01-27. Review status: criteria provided, single submitter. Criteria: Invitae Variant Classification Sherloc (09022015). Collection method: clinical testing. Allele origin: germline.
Comment: This sequence change replaces aspartic acid, which is acidic and polar, with tyrosine, which is neutral and polar, at codon 39 of the GALNS protein (p.Asp39Tyr). This variant is not present in population databases (gnomAD no frequency). This missense change has been observed in individual(s) with mucopolysaccharidosis IVA (PMID: 26147980). ClinVar contains an entry for this variant (Variation ID: 1048257). Invitae Evidence Modeling of protein sequence and biophysical properties (such as structural, functional, and spatial information, amino acid conservation, physicochemical variation, residue mobility, and thermodynamic stability) indicates that this missense variant is expected to disrupt GALNS protein function with a positive predictive value of 95%. This variant disrupts the p.Asp39 amino acid residue in GALNS. Other variant(s) that disrupt this residue have been determined to be pathogenic (PMID: 35729508). This suggests that this residue is clinically significant, and that variants that disrupt this residue are likely to be disease-causing. In summary, the currently available evidence indicates that the variant is pathogenic, but additional data are needed to prove that conclusively. Therefore, this variant has been classified as Likely Pathogenic.

Laboratory of Diagnosis and Therapy of Lysosomal Disorders, University of Padova
Classification: Uncertain significance for Mucopolysaccharidosis, MPS-IV-A. Last evaluated: 2021-02-01. Review status: criteria provided, single submitter. Criteria: ACMG Guidelines, 2015. Collection method: curation. Allele origin: germline. Affected: yes.
Comment: Located in a mutational hot spot and/or critical and well-established functional domain without benign variation (PM1_moderate); absent from gnomAD v2.1.1 (PM2_moderate); multiple lines of computational evidence support a deleterious effect on the gene (PP3_supporting)

Literature cited by the submitters: PubMed 26147980 (cited by 3 submitters); PubMed 35729508 (cited by Labcorp Genetics (formerly Invitae), Labcorp); PubMed 34387910 (cited by Laboratory of Diagnosis and Therapy of Lysosomal Disorders, University of Padova).